The following is an entry in ClinVar:

NM_000465.4(BARD1):c.2317C>A (p.Leu773Ile)

Gene: BARD1 (BRCA1 associated RING domain 1; minus strand). Cytogenetic location: 2q35.
Variant type: single nucleotide variant.
Coding change: c.2317C>A on transcript NM_000465.4 (MANE Select); coding-DNA position 2317, C replaced by A.
Protein change: p.Leu773Ile; replaces leucine 773 with isoleucine.
Molecular consequence: missense variant. On other transcripts: non-coding transcript variant (3).
Genome position (GRCh38, 1-based): chr2:214,728,693, G>T on the plus strand (C>A on the coding strand, the complement: BARD1 is on the minus strand). VCF-style: chr2-214728693-G-T. GRCh37 (hg19) VCF-style: chr2-215593417-G-T.
Other names: c.2260C>A, p.Leu754Ile (NM_001282543.2); c.964C>A, p.Leu322Ile (NM_001282545.2); c.907C>A, p.Leu303Ile (NM_001282548.2); c.778C>A, p.Leu260Ile (NM_001282549.2); short protein forms L303I, L322I, L754I, L773I, L260I.
Identifiers: ClinVar variation 5032822 (VCV005032822.1).

ClinVar aggregate classification (germline): Uncertain significance (1 of 4 stars; one submission).

Conditions:
Hereditary cancer-predisposing syndrome. Also called: Neoplastic Syndromes, Hereditary; Tumor predisposition; Hereditary neoplastic syndrome; Hereditary Cancer Syndrome. Identifiers: Orphanet 140162, MedGen C0027672, MeSH D009386, MONDO:0015356.

Submission:

Ambry Genetics
Classification: Uncertain significance for Hereditary cancer-predisposing syndrome. Last evaluated: 2026-09-09. Review status: criteria provided, single submitter. Criteria: Ambry Variant Classification Scheme 2023. Collection method: clinical testing. Allele origin: germline.
Comment: The p.L773I variant (also known as c.2317C>A), located in coding exon 11 of the BARD1 gene, results from a C to A substitution at nucleotide position 2317. The leucine at codon 773 is replaced by isoleucine, an amino acid with highly similar properties. This amino acid position is conserved. In addition, this alteration is predicted to be tolerated by in silico analysis. Based on the available evidence, the clinical significance of this variant remains unclear.